The following is an entry in ClinVar:

NM_000642.3(AGL):c.3849T>C (p.Ala1283=)

Gene: AGL (amylo-alpha-1,6-glucosidase and 4-alpha-glucanotransferase; plus strand). Cytogenetic location: 1p21.2.
Variant type: single nucleotide variant.
Coding change: c.3849T>C on transcript NM_000642.3 (MANE Select); coding-DNA position 3849, T replaced by C.
Protein change: p.Ala1283=; no amino-acid change (alanine 1283 retained).
Molecular consequence: synonymous variant.
Genome position (GRCh38, 1-based): chr1:99,912,417, T>C. VCF-style: chr1-99912417-T-C. GRCh37 (hg19) VCF-style: chr1-100377973-T-C.
Other names: c.3849T>C, p.Ala1283= (NM_000028.3, NM_000643.3, NM_000644.3 and 1 more transcripts); c.3801T>C, p.Ala1267= (NM_000646.3); c.3828T>C, p.Ala1276= (NM_001425326.1); c.3648T>C, p.Ala1216= (NM_001425327.1); c.3645T>C, p.Ala1215= (NM_001425328.1); c.3510T>C, p.Ala1170= (NM_001425329.1); c.3471T>C, p.Ala1157= (NM_001425332.1).
Identifiers: ClinVar variation 256745 (VCV000256745.40), dbSNP rs28730706, ClinGen allele CA967252.

ClinVar aggregate classification (germline): Benign/Likely benign. Review status: criteria provided, multiple submitters, no conflicts (2 of 4 stars). 11 submissions from 11 submitters: Benign (8); Likely benign (1). 2 of the submissions do not count toward it. Last evaluated 2026-09-01.

Conditions:
Glycogen storage disease type III (GSD3). Also called: FORBES DISEASE; Cori disease. Identifiers: Orphanet 366, MedGen C0017922, MONDO:0009291, OMIM 232400.

Allele frequency attached by ClinVar (database versions not stated): 1000 Genomes Project 30x 0.00828; 1000 Genomes Project 0.00839; TOPMed 0.01045; ESP Exome Variant Server 0.01123; gnomAD 0.01311 and 0.01312; gnomAD exomes 0.01374; ExAC 0.01430.
gnomAD v4.1: 21,329 of 1,613,776 alleles (1.3%); highest among the groups gnomAD compares: Middle Eastern, 4.7%; 194 homozygotes.

Submissions (11):

CeGaT Center for Human Genetics Tuebingen
Classification: Benign. Last evaluated: 2026-09-01. Review status: criteria provided, single submitter. Criteria: CeGaT Center For Human Genetics Tuebingen Variant Classification Criteria Version 2. Collection method: clinical testing. Allele origin: germline. Affected: yes. Observed: 26 variant alleles.
Comment: AGL: BP4, BP7, BS1, BS2

Labcorp Genetics (formerly Invitae), Labcorp
Classification: Benign for Glycogen storage disease type III. Last evaluated: 2026-02-03. Review status: criteria provided, single submitter. Criteria: Invitae Variant Classification Sherloc (09022015). Collection method: clinical testing. Allele origin: germline.

ARUP Laboratories, Molecular Genetics and Genomics, ARUP Laboratories
Classification: Benign. Last evaluated: 2025-07-31. Review status: criteria provided, single submitter. Criteria: ARUP Molecular Germline Variant Investigation Process 2024. Collection method: clinical testing. Allele origin: germline.

Blueprint Genetics
Classification: Likely benign. Last evaluated: 2024-11-26. Review status: criteria provided, single submitter. Criteria: ACMG Guidelines, 2015. Collection method: clinical testing. Allele origin: germline.

Genome-Nilou Lab
Classification: Benign for Glycogen storage disease type III. Last evaluated: 2021-07-15. Review status: criteria provided, single submitter. Criteria: ACMG Guidelines, 2015. Collection method: clinical testing. Allele origin: germline. Affected: no.

Illumina Laboratory Services, Illumina
Classification: Benign for Glycogen storage disease type III. Last evaluated: 2018-01-13. Review status: criteria provided, single submitter. Criteria: ICSL Variant Classification Criteria 13 December 2019. Collection method: clinical testing. Allele origin: germline.
Comment: This variant was observed in the ICSL laboratory as part of a predisposition screen in an ostensibly healthy population. It had not been previously curated by ICSL or reported in the Human Gene Mutation Database (HGMD: prior to June 1st, 2018), and was therefore a candidate for classification through an automated scoring system. Utilizing variant allele frequency, disease prevalence and penetrance estimates, and inheritance mode, an automated score was calculated to assess if this variant is too frequent to cause the disease. Based on the score and internal cut-off values, a variant classified as benign is not then subjected to further curation. The score for this variant resulted in a classification of benign for this disease.

GeneDx
Classification: Benign. Last evaluated: 2016-02-10. Review status: criteria provided, single submitter. Criteria: GeneDx Variant Classification (06012015). Collection method: clinical testing. Allele origin: germline. Affected: yes.
Comment: This variant is considered likely benign or benign based on one or more of the following criteria: it is a conservative change, it occurs at a poorly conserved position in the protein, it is predicted to be benign by multiple in silico algorithms, and/or has population frequency not consistent with disease.

Breakthrough Genomics
Classification: Benign. Review status: criteria provided, single submitter. Criteria: ACMG Guidelines, 2015. Collection method: not provided. Allele origin: germline. Inheritance: Autosomal recessive inheritance. Affected: yes.

PreventionGenetics, part of Exact Sciences
Classification: Benign. Review status: criteria provided, single submitter. Criteria: ACMG Guidelines, 2015. Collection method: clinical testing. Allele origin: germline.

Natera, Inc.
Classification: Benign for Glycogen storage disease type III. Last evaluated: 2020-09-16. Review status: no assertion criteria provided. Collection method: clinical testing. Allele origin: germline. Not counted in ClinVar's aggregate classification.

Mayo Clinic Laboratories, Mayo Clinic
Classification: Likely benign. Last evaluated: 2017-03-14. Review status: no assertion criteria provided. Collection method: clinical testing. Allele origin: unknown. Not counted in ClinVar's aggregate classification.